The following is an entry in ClinVar:

NM_080476.5(PIGU):c.765C>T (p.Pro255=)

Gene: PIGU (phosphatidylinositol glycan anchor biosynthesis class U; minus strand). Cytogenetic location: 20q11.22.
Variant type: single nucleotide variant.
Coding change: c.765C>T on transcript NM_080476.5 (MANE Select); coding-DNA position 765, C replaced by T.
Protein change: p.Pro255=; no amino-acid change (proline 255 retained).
Molecular consequence: synonymous variant.
Genome position (GRCh38, 1-based): chr20:34,588,470, G>A on the plus strand (C>T on the coding strand, the complement: PIGU is on the minus strand). VCF-style: chr20-34588470-G-A. GRCh37 (hg19) VCF-style: chr20-33176274-G-A.
Identifiers: ClinVar variation 2154737 (VCV002154737.14), dbSNP rs779793567, ClinGen allele CA9822581.
Genomic context (GRCh38, chr20:34,588,470, plus strand): 5'-TTCCCCACAGCTTCTAGAATTTTCTAACGTGGTCATTACTTACATAAAGCCATAGACTGC[G>A]GGGATGAAATCCCAAGAGCTGAGAAGGAAGAAGGAGAGGCAAATGATTACCACTAGGCTT-3'
Protein context (NP_536724.1, residues 245-265): FFLLSSWDFI[Pro255=]AVYGFILSVP

ClinVar aggregate classification (germline): Likely benign. Review status: criteria provided, multiple submitters, no conflicts (2 of 4 stars). 2 submissions from 2 submitters: Likely benign (2). Last evaluated 2025-12-08.

Allele frequency attached by ClinVar (database versions not stated): gnomAD 0.00003; gnomAD exomes 0.00003; TOPMed 0.00004; ExAC 0.00005.
gnomAD v4.1: 54 of 1,613,772 alleles (0.0033%); highest among the groups gnomAD compares: East Asian, 0.033%; no homozygotes.

Submissions (2):

Labcorp Genetics (formerly Invitae), Labcorp
Classification: Likely benign. Last evaluated: 2025-12-08. Review status: criteria provided, single submitter. Criteria: Invitae Variant Classification Sherloc (09022015). Collection method: clinical testing. Allele origin: germline.

CeGaT Center for Human Genetics Tuebingen
Classification: Likely benign. Last evaluated: 2025-05-01. Review status: criteria provided, single submitter. Criteria: CeGaT Center For Human Genetics Tuebingen Variant Classification Criteria Version 2. Collection method: clinical testing. Allele origin: germline. Affected: yes. Observed: 1 variant allele.
Comment: PIGU: BP4, BP7